The following is an entry in ClinVar:

NM_001621.5(AHR):c.1138A>G (p.Ile380Val)

Gene: AHR (aryl hydrocarbon receptor; plus strand). Cytogenetic location: 7p21.1.
Variant type: single nucleotide variant.
Coding change: c.1138A>G on transcript NM_001621.5 (MANE Select); coding-DNA position 1138, A replaced by G.
Protein change: p.Ile380Val; replaces isoleucine 380 with valine.
Molecular consequence: missense variant.
Genome position (GRCh38, 1-based): chr7:17,335,764, A>G. VCF-style: chr7-17335764-A-G. GRCh37 (hg19) VCF-style: chr7-17375388-A-G.
Other names: short protein forms I380V.
Identifiers: ClinVar variation 1967634 (VCV001967634.5), dbSNP rs2534443821, ClinGen allele CA366893080.
Genomic context (GRCh38, chr7:17,335,764, plus strand): 5'-TGGACTTGGGTCCAGTCTAATGCACGCCTGCTTTATAAAAATGGAAGACCAGATTATATC[A>G]TTGTAACTCAGAGACCACTAACGTAAGCACAAATAATGTTTCCTGTTTTAACAGTTTTGT-3'
Protein context (NP_001612.1, residues 370-390): LYKNGRPDYI[Ile380Val]VTQRPLTDEE

ClinVar aggregate classification (germline): Uncertain significance (1 of 4 stars; one submission).

Allele frequency attached by ClinVar (database versions not stated): gnomAD exomes below 0.00001.
gnomAD v4.1: 1 of 1,612,956 alleles (0.000062%); highest among the groups gnomAD compares: Non-Finnish European, 0.000085%; no homozygotes.

Submission:

Labcorp Genetics (formerly Invitae), Labcorp
Classification: Uncertain significance. Last evaluated: 2022-08-09. Review status: criteria provided, single submitter. Criteria: Invitae Variant Classification Sherloc (09022015). Collection method: clinical testing. Allele origin: germline.
Comment: In summary, the available evidence is currently insufficient to determine the role of this variant in disease. Therefore, it has been classified as a Variant of Uncertain Significance. Algorithms developed to predict the effect of missense changes on protein structure and function are either unavailable or do not agree on the potential impact of this missense change (SIFT: "Tolerated"; PolyPhen-2: "Possibly Damaging"; Align-GVGD: "Class C0"). This variant has not been reported in the literature in individuals affected with AHR-related conditions. This variant is not present in population databases (gnomAD no frequency). This sequence change replaces isoleucine, which is neutral and non-polar, with valine, which is neutral and non-polar, at codon 380 of the AHR protein (p.Ile380Val).